The following is an entry in ClinVar:

ClinVar aggregate classification (germline): Uncertain significance (1 of 4 stars; one submission).

Submission:

Women's Health and Genetics/Laboratory Corporation of America, LabCorp
Classification: Uncertain significance. Last evaluated: 2025-03-25. Review status: criteria provided, single submitter. Criteria: LabCorp Variant Classification Summary - May 2015. Collection method: clinical testing. Allele origin: germline.
Comment: Variant summary: The variant involves the duplication of exons 4-5 in the PPT1 gene. A presumed nomenclature of c.(362+1_363-1)_(536+1_537-1)dup has been designated for the purposes of this classification. It is assumed to be a tandem duplication in direct orientation (PMIDs: 25640679, 30054569). This Copy Number Variant (CNV) is predicted to result in an in-frame duplication within this gene. The variant was absent in 21694 control chromosomes (gnomAD, structural variants dataset). The available data on variant occurrences in the general population are insufficient to allow any conclusion about variant significance. A similar copy number variant has been observed in at least one individual affected with neuronal ceroid lipofuscinosis(Labcorp Genetics (formerly Invitae)). These data do not allow any definitive conclusion about variant significance. To our knowledge, no experimental evidence demonstrating an impact on protein function has been reported. ClinVar contains an entry for this variant (Variation ID: 1510545). Based on the evidence outlined above, the variant was classified as uncertain significance.

NC_000001.10:g.(40546160_40555081)_(40557072_40557716)dup

Gene: PPT1 (palmitoyl-protein thioesterase 1; minus strand). Cytogenetic location: 1p34.2.
Variant type: Duplication.
Identifiers: ClinVar variation 3895955 (VCV003895955.1).